The following is an entry in ClinVar:

ClinVar aggregate classification (germline): Likely pathogenic (1 of 4 stars; one submission).

Conditions:
Polycystic liver disease 1 (PCLD1). Also called: Polycystic liver disease 1 with or without kidney cysts. Identifiers: Orphanet 2924, MedGen C0887850, MONDO:0008265, OMIM 174050.

Submission:

Juno Genomics, Hangzhou Juno Genomics, Inc
Classification: Likely pathogenic for Polycystic liver disease 1. Review status: criteria provided, single submitter. Criteria: ACMG Guidelines, 2015. Collection method: clinical testing. Allele origin: germline.
Comment: Absent from controls (or at extremely low frequency if recessive) in Genome Aggregation Database.;Null variant in a gene where loss of function (LOF) is a known mechanism of disease.

NM_001289104.2(PRKCSH):c.79+1G>T

Gene: PRKCSH (PRKCSH beta subunit of glucosidase II; plus strand). Cytogenetic location: 19p13.2.
Variant type: single nucleotide variant.
Coding change: c.79+1G>T on transcript NM_001289104.2 (MANE Select); the canonical splice donor site of the intron after coding-DNA position 79, G replaced by T.
Molecular consequence: splice donor variant.
Genome position (GRCh38, 1-based): chr19:11,436,197, G>T. VCF-style: chr19-11436197-G-T. GRCh37 (hg19) VCF-style: chr19-11547018-G-T.
Other names: c.79+1G>T (NM_001289103.2, NM_001379609.1, NM_001379608.1 and 3 more transcripts).
Identifiers: ClinVar variation 5019430 (VCV005019430.2).